The following is an entry in ClinVar:

ClinVar aggregate classification (germline): Pathogenic. Review status: criteria provided, multiple submitters, no conflicts (2 of 4 stars). 2 submissions from 2 submitters: Pathogenic (2). Last evaluated 2025-08-07.

Conditions:
Osteogenesis imperfecta type I (OI1). Also called: Classic Non-deforming Osteogenesis Imperfecta with Blue Sclerae; Lobstein disease; OI, TYPE I; OSTEOGENESIS IMPERFECTA TARDA; OSTEOGENESIS IMPERFECTA WITH BLUE SCLERAE; Osteogenesis imperfecta type 1. Identifiers: Orphanet 216796, Orphanet 666, MedGen C0023931, MONDO:0008146, OMIM 166200. Disease mechanism: loss of function.

Submissions (2):

Labcorp Genetics (formerly Invitae), Labcorp
Classification: Pathogenic for Osteogenesis imperfecta type I. Last evaluated: 2025-08-07. Review status: criteria provided, single submitter. Criteria: Invitae Variant Classification Sherloc (09022015). Collection method: clinical testing. Allele origin: germline.
Comment: This sequence change creates a premature translational stop signal (p.Pro193Leufs*72) in the COL1A1 gene. It is expected to result in an absent or disrupted protein product. Loss-of-function variants in COL1A1 are known to be pathogenic (PMID: 7942841, 9295084, 9443882). This variant is not present in population databases (gnomAD no frequency). This premature translational stop signal has been observed in individual(s) with osteogenesis imperfecta (PMID: 27748872). ClinVar contains an entry for this variant (Variation ID: 1187630). For these reasons, this variant has been classified as Pathogenic.

GeneDx
Classification: Pathogenic. Last evaluated: 2025-05-29. Review status: criteria provided, single submitter. Criteria: GeneDx Variant Classification Process June 2021. Collection method: clinical testing. Allele origin: germline. Affected: yes.
Comment: Frameshift variant predicted to result in protein truncation or nonsense mediated decay in a gene for which loss of function is a known mechanism of disease; Not observed at significant frequency in large population cohorts (gnomAD); This variant is associated with the following publications: (PMID: 27748872, 32282353, 38702915)

Literature cited by the submitters: PubMed 7942841 (cited by Labcorp Genetics (formerly Invitae), Labcorp); PubMed 9295084 (cited by Labcorp Genetics (formerly Invitae), Labcorp); PubMed 9443882 (cited by Labcorp Genetics (formerly Invitae), Labcorp); PubMed 27748872 (cited by Labcorp Genetics (formerly Invitae), Labcorp).

NM_000088.4(COL1A1):c.578del (p.Pro193fs)

Gene: COL1A1 (collagen type I alpha 1 chain; minus strand). Cytogenetic location: 17q21.33.
Variant type: Deletion.
Coding change: c.578del on transcript NM_000088.4 (MANE Select); coding-DNA position 578, one base deleted (C; older notation c.578delC).
Protein change: p.Pro193fs; shifts the reading frame from proline 193.
Molecular consequence: frameshift variant.
Genome position (GRCh38, 1-based): chr17:50,198,171, G deleted on the plus strand (C on the coding strand, the reverse complement: COL1A1 is on the minus strand); the first of 6 consecutive G bases (chr17:50,198,171-50,198,176); deleting any one gives the same sequence. VCF-style (leftmost placement, unchanged base first): chr17-50198170-AG-A. GRCh37 (hg19) VCF-style: chr17-48275531-AG-A.
Other names: c.578delC (NM_000088.3); c.578del (NM_000088.3); short protein forms P193fs.
Identifiers: ClinVar variation 1187630 (VCV001187630.9), dbSNP rs1598300304, ClinGen allele CA2499224739.